The following is an entry in ClinVar:

NM_001004334.4(GPR179):c.6110G>A (p.Gly2037Glu)

Gene: GPR179 (G protein-coupled receptor 179; minus strand). Cytogenetic location: 17q12.
Variant type: single nucleotide variant.
Coding change: c.6110G>A on transcript NM_001004334.4 (MANE Select); coding-DNA position 6110, G replaced by A.
Protein change: p.Gly2037Glu; replaces glycine 2037 with glutamic acid.
Molecular consequence: missense variant.
Genome position (GRCh38, 1-based): chr17:38,327,459, C>T on the plus strand (G>A on the coding strand, the complement: GPR179 is on the minus strand). VCF-style: chr17-38327459-C-T. GRCh37 (hg19) VCF-style: chr17-36483342-C-T.
Other names: short protein forms G2037E.
Identifiers: ClinVar variation 1947332 (VCV001947332.6), dbSNP rs768079066, ClinGen allele CA290103116.

ClinVar aggregate classification (germline): Uncertain significance. Review status: criteria provided, multiple submitters, no conflicts (2 of 4 stars). 2 submissions from 2 submitters: Uncertain significance (2). Last evaluated 2024-06-17.

Allele frequency attached by ClinVar (database versions not stated): gnomAD 0.00001; ExAC 0.00002; gnomAD exomes 0.00002.
gnomAD v4.1: 30 of 1,614,110 alleles (0.0019%); highest among the groups gnomAD compares: South Asian, 0.031%; no homozygotes.

Submissions (2):

Blueprint Genetics
Classification: Uncertain significance. Last evaluated: 2024-06-17. Review status: criteria provided, single submitter. Criteria: ACMG Guidelines, 2015. Collection method: clinical testing. Allele origin: germline.

Labcorp Genetics (formerly Invitae), Labcorp
Classification: Uncertain significance. Last evaluated: 2022-05-18. Review status: criteria provided, single submitter. Criteria: Invitae Variant Classification Sherloc (09022015). Collection method: clinical testing. Allele origin: germline.
Comment: In summary, the available evidence is currently insufficient to determine the role of this variant in disease. Therefore, it has been classified as a Variant of Uncertain Significance. Algorithms developed to predict the effect of missense changes on protein structure and function output the following: SIFT: "Tolerated"; PolyPhen-2: "Benign"; Align-GVGD: "Class C0". The glutamic acid amino acid residue is found in multiple mammalian species, which suggests that this missense change does not adversely affect protein function. This variant has not been reported in the literature in individuals affected with GPR179-related conditions. This variant is present in population databases (rs768079066, gnomAD 0.03%). This sequence change replaces glycine, which is neutral and non-polar, with glutamic acid, which is acidic and polar, at codon 2037 of the GPR179 protein (p.Gly2037Glu).